The following is an entry in ClinVar:

ClinVar aggregate classification (germline): Likely pathogenic (1 of 4 stars; one submission).

Conditions:
Glycine encephalopathy. Also called: Non-ketotic hyperglycinemia; Nonketotic hyperglycinemia. Identifiers: Orphanet 407, MedGen C0751748, MONDO:0011612, HP:0008288.

Allele frequency attached by ClinVar (database versions not stated): gnomAD exomes below 0.00001.
gnomAD v4.1: 2 of 1,612,562 alleles (0.00012%); highest among the groups gnomAD compares: Admixed American, 0.0017%; no homozygotes.

Submission:

Labcorp Genetics (formerly Invitae), Labcorp
Classification: Likely pathogenic for Glycine encephalopathy. Last evaluated: 2022-06-09. Review status: criteria provided, single submitter. Criteria: Invitae Variant Classification Sherloc (09022015). Collection method: clinical testing. Allele origin: germline.
Comment: This sequence change replaces lysine, which is basic and polar, with threonine, which is neutral and polar, at codon 376 of the GLDC protein (p.Lys376Thr). This variant is present in population databases (no rsID available, gnomAD 0.003%). This variant has not been reported in the literature in individuals affected with GLDC-related conditions. Advanced modeling of protein sequence and biophysical properties (such as structural, functional, and spatial information, amino acid conservation, physicochemical variation, residue mobility, and thermodynamic stability) performed at Invitae indicates that this missense variant is expected to disrupt GLDC protein function. This variant disrupts the p.Lys376 amino acid residue in GLDC. Other variant(s) that disrupt this residue have been determined to be pathogenic (PMID: 27362913). This suggests that this residue is clinically significant, and that variants that disrupt this residue are likely to be disease-causing. In summary, the currently available evidence indicates that the variant is pathogenic, but additional data are needed to prove that conclusively. Therefore, this variant has been classified as Likely Pathogenic.

Literature cited by the submitters: PubMed 27362913.

NM_000170.3(GLDC):c.1127A>C (p.Lys376Thr)

Gene: GLDC (glycine decarboxylase; minus strand). Cytogenetic location: 9p24.1.
Variant type: single nucleotide variant.
Coding change: c.1127A>C on transcript NM_000170.3 (MANE Select); coding-DNA position 1127, A replaced by C.
Protein change: p.Lys376Thr; replaces lysine 376 with threonine.
Molecular consequence: missense variant.
Genome position (GRCh38, 1-based): chr9:6,602,137, T>G on the plus strand (A>C on the coding strand, the complement: GLDC is on the minus strand). VCF-style: chr9-6602137-T-G. GRCh37 (hg19) VCF-style: chr9-6602137-T-G.
Other names: short protein forms K376T.
Identifiers: ClinVar variation 1468393 (VCV001468393.3), dbSNP rs1300550278, ClinGen allele CA372894494.